The following is an entry in ClinVar:

NM_194248.3(OTOF):c.4228-1G>A

Gene: OTOF (otoferlin; minus strand). Cytogenetic location: 2p23.3.
Variant type: single nucleotide variant.
Coding change: c.4228-1G>A on transcript NM_194248.3 (MANE Select); the canonical splice acceptor site of the intron before coding-DNA position 4228, G replaced by A.
Molecular consequence: splice acceptor variant.
Genome position (GRCh38, 1-based): chr2:26,467,234, C>T on the plus strand (G>A on the coding strand, the complement: OTOF is on the minus strand). VCF-style: chr2-26467234-C-T. GRCh37 (hg19) VCF-style: chr2-26690102-C-T.
Other names: c.4228-1G>A (NM_001287489.2); c.1927-1G>A (NM_194323.3, NM_004802.4); c.2158-1G>A (NM_194322.3).
Identifiers: ClinVar variation 48231 (VCV000048231.8), dbSNP rs111033342, ClinGen allele CA262045.

ClinVar aggregate classification (germline): Likely pathogenic. Review status: criteria provided, multiple submitters, no conflicts (2 of 4 stars). 2 submissions from 2 submitters: Likely pathogenic (2). Last evaluated 2023-10-19.

Conditions:
Rare genetic deafness. Identifiers: Orphanet 96210, MedGen C5680250.

Allele frequency attached by ClinVar (database versions not stated): TOPMed 0.00002.
gnomAD v4.1: 45 of 1,614,164 alleles (0.0028%); highest among the groups gnomAD compares: Non-Finnish European, 0.0036%; no homozygotes.

Submissions (2):

Labcorp Genetics (formerly Invitae), Labcorp
Classification: Likely pathogenic. Last evaluated: 2023-10-19. Review status: criteria provided, single submitter. Criteria: Invitae Variant Classification Sherloc (09022015). Collection method: clinical testing. Allele origin: germline.
Comment: This sequence change affects an acceptor splice site in intron 34 of the OTOF gene. It is expected to disrupt RNA splicing. Variants that disrupt the donor or acceptor splice site typically lead to a loss of protein function (PMID: 16199547), and loss-of-function variants in OTOF are known to be pathogenic (PMID: 18381613, 19250381, 22575033). This variant is present in population databases (rs111033342, gnomAD 0.0009%). This variant has not been reported in the literature in individuals affected with OTOF-related conditions. ClinVar contains an entry for this variant (Variation ID: 48231). Algorithms developed to predict the effect of sequence changes on RNA splicing suggest that this variant may disrupt the consensus splice site. In summary, the currently available evidence indicates that the variant is pathogenic, but additional data are needed to prove that conclusively. Therefore, this variant has been classified as Likely Pathogenic.

Laboratory for Molecular Medicine, Mass General Brigham Personalized Medicine
Classification: Likely pathogenic for Rare genetic deafness. Last evaluated: 2008-03-01. Review status: criteria provided, single submitter. Criteria: LMM Criteria. Collection method: clinical testing. Allele origin: germline. Observed: 2 variant alleles.

Literature cited by the submitters: PubMed 16199547 (cited by Labcorp Genetics (formerly Invitae), Labcorp); PubMed 18381613 (cited by Labcorp Genetics (formerly Invitae), Labcorp); PubMed 19250381 (cited by Labcorp Genetics (formerly Invitae), Labcorp); PubMed 22575033 (cited by Labcorp Genetics (formerly Invitae), Labcorp).